The following is an entry in ClinVar:

NM_033056.4(PCDH15):c.5317C>T (p.Pro1773Ser)

Gene: PCDH15 (protocadherin related 15; minus strand). Cytogenetic location: 10q21.1.
Variant type: single nucleotide variant.
Coding change: c.5317C>T on transcript NM_033056.4 (MANE Plus Clinical); coding-DNA position 5317, C replaced by T.
Protein change: p.Pro1773Ser; replaces proline 1773 with serine.
Molecular consequence: missense variant. On other transcripts: intron variant (8).
Genome position (GRCh38, 1-based): chr10:53,822,409, G>A on the plus strand (C>T on the coding strand, the complement: PCDH15 is on the minus strand). VCF-style: chr10-53822409-G-A. GRCh37 (hg19) VCF-style: chr10-55582169-G-A.
Other names: c.5338C>T, p.Pro1780Ser (NM_001142763.2); c.5323C>T, p.Pro1775Ser (NM_001142764.2); c.5110C>T, p.Pro1704Ser (NM_001142765.2); c.5308C>T, p.Pro1770Ser (NM_001142766.2); c.5197C>T, p.Pro1733Ser (NM_001142767.2); c.5257C>T, p.Pro1753Ser (NM_001142768.2); c.5248C>T, p.Pro1750Ser (NM_001142773.2); c.5251C>T, p.Pro1751Ser (NM_001354404.2); and 7 more; short protein forms P1751S, P1780S, P1704S, P1773S, P1750S, P1775S, P1733S, P1753S.
Identifiers: ClinVar variation 3572586 (VCV003572586.1).

ClinVar aggregate classification (germline): Uncertain significance (1 of 4 stars; one submission).

gnomAD v4.1: 1 of 1,577,134 alleles (0.000063%); highest among the groups gnomAD compares: Non-Finnish European, 0.000086%; no homozygotes.

Submission:

GeneDx
Classification: Uncertain significance. Last evaluated: 2024-07-09. Review status: criteria provided, single submitter. Criteria: GeneDx Variant Classification Process June 2021. Collection method: clinical testing. Allele origin: germline. Affected: yes.
Comment: Not observed at significant frequency in large population cohorts (gnomAD); In silico analysis indicates that this missense variant does not alter protein structure/function; Has not been previously published as pathogenic or benign to our knowledge